The following is an entry in ClinVar:

NM_004407.4(DMP1):c.412G>A (p.Glu138Lys)

Genes: DMP1 (dentin matrix acidic phosphoprotein 1; plus strand), DMP1-AS1 (DMP1 and DSPP antisense RNA 1; minus strand). Cytogenetic location: 4q22.1.
Variant type: single nucleotide variant.
Coding change: c.412G>A on transcript NM_004407.4 (MANE Select); coding-DNA position 412, G replaced by A.
Protein change: p.Glu138Lys; replaces glutamic acid 138 with lysine.
Molecular consequence: missense variant.
Genome position (GRCh38, 1-based): chr4:87,662,190, G>A. VCF-style: chr4-87662190-G-A. GRCh37 (hg19) VCF-style: chr4-88583342-G-A.
Other names: c.364G>A, p.Glu122Lys (NM_001079911.3); short protein forms E138K, E122K.
Identifiers: ClinVar variation 1407962 (VCV001407962.6), dbSNP rs2110016438, ClinGen allele CA357698895.

ClinVar aggregate classification (germline): Uncertain significance (1 of 4 stars; one submission).

Submission:

Labcorp Genetics (formerly Invitae), Labcorp
Classification: Uncertain significance. Last evaluated: 2021-07-28. Review status: criteria provided, single submitter. Criteria: Invitae Variant Classification Sherloc (09022015). Collection method: clinical testing. Allele origin: germline.
Comment: In summary, the available evidence is currently insufficient to determine the role of this variant in disease. Therefore, it has been classified as a Variant of Uncertain Significance. Algorithms developed to predict the effect of missense changes on protein structure and function are either unavailable or do not agree on the potential impact of this missense change (SIFT: "Deleterious"; PolyPhen-2: "Probably Damaging"; Align-GVGD: "Class C15"). This variant has not been reported in the literature in individuals affected with DMP1-related conditions. This variant is not present in population databases (ExAC no frequency). This sequence change replaces glutamic acid with lysine at codon 138 of the DMP1 protein (p.Glu138Lys). The glutamic acid residue is highly conserved and there is a small physicochemical difference between glutamic acid and lysine.